The following is an entry in ClinVar:

ClinVar aggregate classification (germline): Uncertain significance (1 of 4 stars; one submission).

Conditions:
Inborn genetic diseases. Identifiers: MedGen C0950123, MeSH D030342.

Submission:

Ambry Genetics
Classification: Uncertain significance for Inborn genetic diseases. Last evaluated: 2026-03-24. Review status: criteria provided, single submitter. Criteria: Ambry Variant Classification Scheme 2023. Collection method: clinical testing. Allele origin: germline.
Comment: The p.E118A variant (also known as c.353A>C), located in coding exon 1 of the SAMD9 gene, results from an A to C substitution at nucleotide position 353. The glutamic acid at codon 118 is replaced by alanine, an amino acid with dissimilar properties. This amino acid position is conserved. In addition, this alteration is predicted to be tolerated by in silico analysis. Based on the available evidence, the clinical significance of this variant remains unclear.

NM_017654.4(SAMD9):c.353A>C (p.Glu118Ala)

Gene: SAMD9 (sterile alpha motif domain containing 9; minus strand). Cytogenetic location: 7q21.2.
Variant type: single nucleotide variant.
Coding change: c.353A>C on transcript NM_017654.4 (MANE Select); coding-DNA position 353, A replaced by C.
Protein change: p.Glu118Ala; replaces glutamic acid 118 with alanine.
Molecular consequence: missense variant.
Genome position (GRCh38, 1-based): chr7:93,105,745, T>G on the plus strand (A>C on the coding strand, the complement: SAMD9 is on the minus strand). VCF-style: chr7-93105745-T-G. GRCh37 (hg19) VCF-style: chr7-92735058-T-G.
Other names: c.353A>C, p.Glu118Ala (NM_001193307.2); short protein forms E118A.
Identifiers: ClinVar variation 4863771 (VCV004863771.1).
Genomic context (GRCh38, chr7:93,105,745, plus strand): 5'-AGTGACTTAGAACCTTTAGCAGTTGTACTCATTGCAGACGGATTAGCCATATCTGGGTTC[T>G]CTTTACCCTTTTGTTTTTGCTTTGAAGTTTCTCTACGTTCCTTTTGAGACACAGTTTGGT-3'
Protein context (NP_060124.2, residues 108-128): ETSKQKQKGK[Glu118Ala]NPDMANPSAM